The following is an entry in ClinVar:

ClinVar aggregate classification (germline): Uncertain significance (1 of 4 stars; one submission).

Submission:

GeneDx
Classification: Uncertain significance. Last evaluated: 2024-08-15. Review status: criteria provided, single submitter. Criteria: GeneDx Variant Classification Process June 2021. Collection method: clinical testing. Allele origin: germline. Affected: yes.
Comment: Not observed at significant frequency in large population cohorts (gnomAD); In silico analysis supports that this missense variant has a deleterious effect on protein structure/function; In silico analysis is inconclusive as to whether the variant alters gene splicing. In the absence of RNA/functional studies, the actual effect of this sequence change is unknown.; Has not been previously published as pathogenic or benign to our knowledge

NM_001128840.3(CACNA1D):c.2257G>A (p.Asp753Asn)

Gene: CACNA1D (calcium voltage-gated channel subunit alpha1 D; plus strand). Cytogenetic location: 3p21.1.
Variant type: single nucleotide variant.
Coding change: c.2257G>A on transcript NM_001128840.3 (MANE Select); coding-DNA position 2257, G replaced by A.
Protein change: p.Asp753Asn; replaces aspartic acid 753 with asparagine.
Molecular consequence: missense variant.
Genome position (GRCh38, 1-based): chr3:53,730,477, G>A. VCF-style: chr3-53730477-G-A. GRCh37 (hg19) VCF-style: chr3-53764504-G-A.
Other names: c.2317G>A, p.Asp773Asn (NM_000720.4); c.2257G>A, p.Asp753Asn (NM_001128839.3); short protein forms D753N, D773N.
Identifiers: ClinVar variation 3731234 (VCV003731234.1).